The following is an entry in ClinVar:

NM_001123385.2(BCOR):c.2278C>T (p.Leu760Phe)

Gene: BCOR (BCL6 corepressor; minus strand). Cytogenetic location: Xp11.4.
Variant type: single nucleotide variant.
Coding change: c.2278C>T on transcript NM_001123385.2 (MANE Select); coding-DNA position 2278, C replaced by T.
Protein change: p.Leu760Phe; replaces leucine 760 with phenylalanine.
Molecular consequence: missense variant.
Genome position (GRCh38, 1-based): chrX:40,073,068, G>A on the plus strand (C>T on the coding strand, the complement: BCOR is on the minus strand). VCF-style: chrX-40073068-G-A. GRCh37 (hg19) VCF-style: chrX-39932321-G-A.
Other names: c.2278C>T, p.Leu760Phe (NM_001123383.2, NM_001123384.2, NM_001437510.1 and 4 more transcripts); short protein forms L760F.
Identifiers: ClinVar variation 4086527 (VCV004086527.1).

ClinVar aggregate classification (germline): Uncertain significance (1 of 4 stars; one submission).

gnomAD v4.1: 5 of 1,210,554 alleles (0.00041%); highest among the groups gnomAD compares: African/African-American, 0.0017%; no homozygotes.

Submission:

GeneDx
Classification: Uncertain significance. Last evaluated: 2025-03-14. Review status: criteria provided, single submitter. Criteria: GeneDx Variant Classification Process June 2021. Collection method: clinical testing. Allele origin: germline. Affected: yes.
Comment: In silico analysis indicates that this missense variant does not alter protein structure/function; Has not been previously published as pathogenic or benign to our knowledge